The following is an entry in ClinVar:

NM_170699.3(GPBAR1):c.426C>T (p.Pro142=)

Gene: GPBAR1 (G protein-coupled bile acid receptor 1; plus strand). Cytogenetic location: 2q35.
Variant type: single nucleotide variant.
Coding change: c.426C>T on transcript NM_170699.3 (MANE Select); coding-DNA position 426, C replaced by T.
Protein change: p.Pro142=; no amino-acid change (proline 142 retained).
Molecular consequence: synonymous variant.
Genome position (GRCh38, 1-based): chr2:218,263,150, C>T. VCF-style: chr2-218263150-C-T. GRCh37 (hg19) VCF-style: chr2-219127873-C-T.
Other names: c.426C>T, p.Pro142= (NM_001077191.2, NM_001077194.2, NM_001321950.2).
Identifiers: ClinVar variation 3054517 (VCV003054517.2), dbSNP rs199613196, ClinGen allele CA2102587.

ClinVar aggregate classification (germline): Likely benign (0 of 4 stars; one submission).

Conditions:
GPBAR1-related disorder. Also called: GPBAR1-related condition.

Allele frequency attached by ClinVar (database versions not stated): TOPMed 0.00002; gnomAD 0.00003; gnomAD exomes 0.00005; ExAC 0.00008.

Submission:

PreventionGenetics, part of Exact Sciences
Classification: Likely benign for GPBAR1-related condition. Last evaluated: 2023-06-01. Review status: no assertion criteria provided. Collection method: clinical testing. Allele origin: germline.
Comment: This variant is classified as likely benign based on ACMG/AMP sequence variant interpretation guidelines (Richards et al. 2015 PMID: 25741868, with internal and published modifications).